The following is an entry in ClinVar:

ClinVar aggregate classification (germline): Benign (3 of 4 stars; one submission).

Conditions:
Breast-ovarian cancer, familial, susceptibility to, 2 (BROVCA2). Also called: BRCA2 Hereditary Breast and Ovarian Cancer. Identifiers: Orphanet 145, MedGen C2675520, MONDO:0012933, OMIM 612555. Disease mechanism: loss of function.

Allele frequency attached by ClinVar (database versions not stated): gnomAD 0.00253 and 0.00275; TOPMed 0.00284; 1000 Genomes Project 30x 0.00312; 1000 Genomes Project 0.00359.
gnomAD v4.1: 385 of 152,294 alleles (0.25%); highest among the groups gnomAD compares: African/African-American, 0.87%; 2 homozygotes.

Submission:

Evidence-based Network for the Interpretation of Germline Mutant Alleles (ENIGMA)
Classification: Benign for Breast-ovarian cancer, familial 2. Last evaluated: 2015-01-12. Review status: reviewed by expert panel. Criteria: ENIGMA BRCA1/2 Classification Criteria (2015). Collection method: curation. Allele origin: germline.
Comment: Class 1 not pathogenic based on frequency >1% in an outbred sampleset. Frequency 0.0122 (African), derived from 1000 genomes (2012-04-30).

NM_000059.4(BRCA2):c.9256+6706A>G

Gene: BRCA2 (BRCA2 DNA repair associated; plus strand). Cytogenetic location: 13q13.1.
Variant type: single nucleotide variant.
Coding change: c.9256+6706A>G on transcript NM_000059.4 (MANE Select); 6706 bases into the intron after coding-DNA position 9256, A replaced by G.
Molecular consequence: intron variant.
Genome position (GRCh38, 1-based): chr13:32,386,851, A>G. VCF-style: chr13-32386851-A-G. GRCh37 (hg19) VCF-style: chr13-32960988-A-G.
Other names: IVS 24+6706A>G.
Identifiers: ClinVar variation 209876 (VCV000209876.1), dbSNP rs149294612, ClinGen allele CA276844.